The following is an entry in ClinVar:

ClinVar aggregate classification (germline): Likely pathogenic (1 of 4 stars; one submission).

Conditions:
Schöpf-Schulz-Passarge syndrome. Also called: ECCRINE TUMORS WITH ECTODERMAL DYSPLASIA; KERATOSIS PALMOPLANTARIS WITH CYSTIC EYELIDS, HYPODONTIA, AND HYPOTRICHOSIS; SchC6pf-Schulz-Passarge syndrome. Identifiers: Orphanet 50944, MedGen C1857069, MONDO:0009145, OMIM 224750.

Submission:

Natera, Inc.
Classification: Likely pathogenic for Schopf-Schulz-Passarge syndrome. Last evaluated: 2025-03-31. Review status: criteria provided, single submitter. Criteria: Natera Variant Classification Schema (03/2026). Collection method: clinical testing. Allele origin: germline.
Comment: The c.664del variant in WNT10A is a frameshift variant predicted to shift the reading frame beginning at codon 222 and leads to a stop codon 21 codons downstream. This variant is expected to result in nonsense mediated decay, truncation, or a dysfunctional protein product. This variant is rare in the general population with a frequency below the threshold expected for the associated phenotype(s). Given the available evidence, this variant is classified as Likely Pathogenic.

NM_025216.3(WNT10A):c.664del (p.Glu222fs)

Gene: WNT10A (Wnt family member 10A; plus strand). Cytogenetic location: 2q35.
Variant type: Deletion.
Coding change: c.664del on transcript NM_025216.3 (MANE Select); coding-DNA position 664, one base deleted (G; older notation c.664delG).
Protein change: p.Glu222fs; shifts the reading frame from glutamic acid 222.
Molecular consequence: frameshift variant.
Genome position (GRCh38, 1-based): chr2:218,890,271, G deleted; the last of 4 consecutive G bases (chr2:218,890,268-218,890,271); deleting any one gives the same sequence. VCF-style (leftmost placement, unchanged base first): chr2-218890267-CG-C. GRCh37 (hg19) VCF-style: chr2-219754989-CG-C.
Other names: short protein forms E222fs.
Identifiers: ClinVar variation 4063361 (VCV004063361.2).